The following is an entry in ClinVar:

ClinVar aggregate classification (germline): Uncertain significance (1 of 4 stars; one submission).

gnomAD v4.1: 1 of 1,194,475 alleles (0.000084%); highest among the groups gnomAD compares: African/African-American, 0.0018%; no homozygotes.

Submission:

Labcorp Genetics (formerly Invitae), Labcorp
Classification: Uncertain significance. Last evaluated: 2025-10-21. Review status: criteria provided, single submitter. Criteria: Invitae Variant Classification Sherloc (09022015). Collection method: clinical testing. Allele origin: germline.
Comment: This sequence change replaces glycine, which is neutral and non-polar, with arginine, which is basic and polar, at codon 30 of the HCCS protein (p.Gly30Arg). This variant is not present in population databases (gnomAD no frequency). This variant has not been reported in the literature in individuals affected with HCCS-related conditions. Invitae Evidence Modeling of protein sequence and biophysical properties (such as structural, functional, and spatial information, amino acid conservation, physicochemical variation, residue mobility, and thermodynamic stability) indicates that this missense variant is not expected to disrupt HCCS protein function with a negative predictive value of 80%. In summary, the available evidence is currently insufficient to determine the role of this variant in disease. Therefore, it has been classified as a Variant of Uncertain Significance.

NM_005333.5(HCCS):c.88G>C (p.Gly30Arg)

Gene: HCCS (holocytochrome c synthase; plus strand). Cytogenetic location: Xp22.2.
Variant type: single nucleotide variant.
Coding change: c.88G>C on transcript NM_005333.5 (MANE Select); coding-DNA position 88, G replaced by C.
Protein change: p.Gly30Arg; replaces glycine 30 with arginine.
Molecular consequence: missense variant.
Genome position (GRCh38, 1-based): chrX:11,112,148, G>C. VCF-style: chrX-11112148-G-C. GRCh37 (hg19) VCF-style: chrX-11130268-G-C.
Other names: c.88G>C, p.Gly30Arg (NM_001122608.3, NM_001171991.3); short protein forms G30R.
Identifiers: ClinVar variation 4768000 (VCV004768000.1).